The following is an entry in ClinVar:

ClinVar aggregate classification (germline): Uncertain significance (1 of 4 stars; one submission).

Allele frequency attached by ClinVar (database versions not stated): TOPMed below 0.00001; ExAC 0.00001; gnomAD exomes 0.00001.
gnomAD v4.1: 9 of 1,613,118 alleles (0.00056%); highest among the groups gnomAD compares: Non-Finnish European, 0.00068%; no homozygotes.

Submission:

Labcorp Genetics (formerly Invitae), Labcorp
Classification: Uncertain significance. Last evaluated: 2022-08-24. Review status: criteria provided, single submitter. Criteria: Invitae Variant Classification Sherloc (09022015). Collection method: clinical testing. Allele origin: germline.
Comment: Algorithms developed to predict the effect of missense changes on protein structure and function are either unavailable or do not agree on the potential impact of this missense change (SIFT: "Deleterious"; PolyPhen-2: "Probably Damaging"; Align-GVGD: "Class C0"). This variant has not been reported in the literature in individuals affected with HMCN1-related conditions. This variant is not present in population databases (gnomAD no frequency). This sequence change replaces alanine, which is neutral and non-polar, with threonine, which is neutral and polar, at codon 3409 of the HMCN1 protein (p.Ala3409Thr). Algorithms developed to predict the effect of sequence changes on RNA splicing suggest that this variant may disrupt the consensus splice site. In summary, the available evidence is currently insufficient to determine the role of this variant in disease. Therefore, it has been classified as a Variant of Uncertain Significance.

NM_031935.3(HMCN1):c.10225G>A (p.Ala3409Thr)

Gene: HMCN1 (hemicentin 1; plus strand). Cytogenetic location: 1q31.1.
Variant type: single nucleotide variant.
Coding change: c.10225G>A on transcript NM_031935.3 (MANE Select); coding-DNA position 10225, G replaced by A.
Protein change: p.Ala3409Thr; replaces alanine 3409 with threonine.
Molecular consequence: missense variant.
Genome position (GRCh38, 1-based): chr1:186,094,304, G>A. VCF-style: chr1-186094304-G-A. GRCh37 (hg19) VCF-style: chr1-186063436-G-A.
Other names: short protein forms A3409T.
Identifiers: ClinVar variation 1902087 (VCV001902087.5), dbSNP rs200624405, ClinGen allele CA1293671.